The following is an entry in ClinVar:

ClinVar aggregate classification (germline): Uncertain significance. Review status: criteria provided, multiple submitters, no conflicts (2 of 4 stars). 2 submissions from 2 submitters: Uncertain significance (2). Last evaluated 2024-05-17.

Conditions:
Leber congenital amaurosis 4 (LCA4). Identifiers: MedGen C1858386, MONDO:0011458, OMIM 604393.

Allele frequency attached by ClinVar (database versions not stated): TOPMed below 0.00001.

Submissions (2):

GeneDx
Classification: Uncertain significance. Last evaluated: 2024-05-17. Review status: criteria provided, single submitter. Criteria: GeneDx Variant Classification Process June 2021. Collection method: clinical testing. Allele origin: germline. Affected: yes.
Comment: Not observed at significant frequency in large population cohorts (gnomAD); In silico analysis supports that this missense variant has a deleterious effect on protein structure/function; Has not been previously published as pathogenic or benign to our knowledge

Labcorp Genetics (formerly Invitae), Labcorp
Classification: Uncertain significance for Leber congenital amaurosis 4. Last evaluated: 2024-01-31. Review status: criteria provided, single submitter. Criteria: Invitae Variant Classification Sherloc (09022015). Collection method: clinical testing. Allele origin: germline.
Comment: This sequence change replaces methionine, which is neutral and non-polar, with threonine, which is neutral and polar, at codon 66 of the AIPL1 protein (p.Met66Thr). This variant is not present in population databases (gnomAD no frequency). This missense change has been observed in individual(s) with retinal dystrophy (Invitae). In at least one individual the data is consistent with being in trans (on the opposite chromosome) from a pathogenic variant. Advanced modeling of protein sequence and biophysical properties (such as structural, functional, and spatial information, amino acid conservation, physicochemical variation, residue mobility, and thermodynamic stability) performed at Invitae indicates that this missense variant is not expected to disrupt AIPL1 protein function with a negative predictive value of 80%. In summary, the available evidence is currently insufficient to determine the role of this variant in disease. Therefore, it has been classified as a Variant of Uncertain Significance.

NM_014336.5(AIPL1):c.197T>C (p.Met66Thr)

Gene: AIPL1 (AIP like 1 HSP90 co-chaperone; minus strand). Cytogenetic location: 17p13.2.
Variant type: single nucleotide variant.
Coding change: c.197T>C on transcript NM_014336.5 (MANE Select); coding-DNA position 197, T replaced by C.
Protein change: p.Met66Thr; replaces methionine 66 with threonine.
Molecular consequence: missense variant. On other transcripts: intron variant (1).
Genome position (GRCh38, 1-based): chr17:6,433,998, A>G on the plus strand (T>C on the coding strand, the complement: AIPL1 is on the minus strand). VCF-style: chr17-6433998-A-G. GRCh37 (hg19) VCF-style: chr17-6337318-A-G.
Other names: c.197T>C, p.Met66Thr (NM_001033054.3, NM_001285401.3, NM_001285403.4); c.161T>C, p.Met54Thr (NM_001285399.3); c.131T>C, p.Met44Thr (NM_001285400.3); c.80T>C, p.Met27Thr (NM_001285402.2); c.96+1011T>C (NM_001033055.3); c.197T>C (NM_014336.3); short protein forms M27T, M66T, M54T, M44T.
Identifiers: ClinVar variation 2786340 (VCV002786340.4), dbSNP rs1912903681, ClinGen allele CA397397393.
Genomic context (GRCh38, chr17:6,433,998, plus strand): 5'-TCGGCCACCTCGTGCACCCGCATGGAGGTAAGCAGGATCTCCCAGACCTCGAGCTTGAAC[A>G]TGTTTCCGATGATGATGTGCATGGGCTGGCCCACCTGCCGACTGTCGTCAATGACTGTCC-3'
Protein context (NP_055151.3, residues 56-76): GQPMHIIIGN[Met66Thr]FKLEVWEILL